The following is an entry in ClinVar:

NM_000094.4(COL7A1):c.7138G>A (p.Gly2380Arg)

Gene: COL7A1 (collagen type VII alpha 1 chain; minus strand). Cytogenetic location: 3p21.31.
Variant type: single nucleotide variant.
Coding change: c.7138G>A on transcript NM_000094.4 (MANE Select); coding-DNA position 7138, G replaced by A.
Protein change: p.Gly2380Arg; replaces glycine 2380 with arginine.
Molecular consequence: missense variant.
Genome position (GRCh38, 1-based): chr3:48,571,127, C>T on the plus strand (G>A on the coding strand, the complement: COL7A1 is on the minus strand). VCF-style: chr3-48571127-C-T. GRCh37 (hg19) VCF-style: chr3-48608560-C-T.
Other names: short protein forms G2380R.
Identifiers: ClinVar variation 4806317 (VCV004806317.1).

ClinVar aggregate classification (germline): Uncertain significance (1 of 4 stars; one submission).

gnomAD v4.1: 1 of 1,614,072 alleles (0.000062%); highest among the groups gnomAD compares: Non-Finnish European, 0.000085%; no homozygotes.

Submission:

Labcorp Genetics (formerly Invitae), Labcorp
Classification: Uncertain significance. Last evaluated: 2025-04-07. Review status: criteria provided, single submitter. Criteria: Invitae Variant Classification Sherloc (09022015). Collection method: clinical testing. Allele origin: germline.
Comment: This sequence change replaces glycine, which is neutral and non-polar, with arginine, which is basic and polar, at codon 2380 of the COL7A1 protein (p.Gly2380Arg). This variant is not present in population databases (gnomAD no frequency). This variant has not been reported in the literature in individuals affected with COL7A1-related conditions. Invitae Evidence Modeling of protein sequence and biophysical properties (such as structural, functional, and spatial information, amino acid conservation, physicochemical variation, residue mobility, and thermodynamic stability) indicates that this missense variant is expected to disrupt COL7A1 protein function with a positive predictive value of 95%. This variant disrupts the triple helix domain of COL7A1. Glycine residues within the Gly-Xaa-Yaa repeats of the triple helix domain are required for the structure and stability of fibrillar collagens (PMID: 7695699, 8218237, 19344236), and variants at these glycine residues in COL7A1 are more frequently observed in individuals with disease than in the general population (PMID: 22058051). However, the clinical significance of this observation remains uncertain since only a limited number of affected individuals have been described to date. In summary, the available evidence is currently insufficient to determine the role of this variant in disease. Therefore, it has been classified as a Variant of Uncertain Significance.

Literature cited by the submitters: PubMed 7695699; PubMed 8218237; PubMed 19344236; PubMed 22058051.